The following is an entry in ClinVar:

NM_001367916.1(MAGT1):c.651T>A (p.Thr217=)

Gene: MAGT1 (magnesium transporter 1; minus strand). Cytogenetic location: Xq21.1.
Variant type: single nucleotide variant.
Coding change: c.651T>A on transcript NM_001367916.1 (MANE Select); coding-DNA position 651, T replaced by A.
Protein change: p.Thr217=; no amino-acid change (threonine 217 retained).
Molecular consequence: synonymous variant.
Genome position (GRCh38, 1-based): chrX:77,856,754, A>T on the plus strand (T>A on the coding strand, the complement: MAGT1 is on the minus strand). VCF-style: chrX-77856754-A-T. GRCh37 (hg19) VCF-style: chrX-77112251-A-T.
Other names: p.Thr249=; c.747T>A, p.Thr249= (LRG_353t1, NM_032121.5).
Identifiers: ClinVar variation 129568 (VCV000129568.21), dbSNP rs61732679, ClinGen allele CA153648.

ClinVar aggregate classification (germline): Benign. Review status: criteria provided, multiple submitters, no conflicts (2 of 4 stars). 5 submissions from 5 submitters: Benign (4). 1 of the submissions does not count toward it. Last evaluated 2026-01-27.

Conditions:
X-linked immunodeficiency with magnesium defect, Epstein-Barr virus infection and neoplasia. Identifiers: Orphanet 317476, MedGen C3275445, MONDO:0010455, OMIM 300853.

Allele frequency attached by ClinVar (database versions not stated): gnomAD exomes 0.00152 and 0.00449; ExAC 0.00549; 1000 Genomes Project 0.01457; gnomAD 0.01508 and 0.01635; 1000 Genomes Project 30x 0.01623; TOPMed 0.01711; ESP Exome Variant Server 0.01913.
gnomAD v4.1: 3,448 of 1,207,966 alleles (0.29%); highest among the groups gnomAD compares: African/African-American, 5.1%; 51 homozygotes.

Submissions (11):

Labcorp Genetics (formerly Invitae), Labcorp
Classification: Benign for X-linked immunodeficiency with magnesium defect, Epstein-Barr virus infection and neoplasia. Last evaluated: 2026-01-27. Review status: criteria provided, single submitter. Criteria: Invitae Variant Classification Sherloc (09022015). Collection method: clinical testing. Allele origin: germline.

Mayo Clinic Laboratories, Mayo Clinic
Classification: Benign. Last evaluated: 2022-02-11. Review status: criteria provided, single submitter. Criteria: ACMG Guidelines, 2015. Collection method: clinical testing. Allele origin: germline. Observed: 12 variant alleles.

GeneDx
Classification: Benign. Last evaluated: 2021-05-06. Review status: criteria provided, single submitter. Criteria: GeneDx Variant Classification Process June 2021. Collection method: clinical testing. Allele origin: germline. Affected: yes.

Breakthrough Genomics
Classification: Benign. Review status: criteria provided, single submitter. Criteria: ACMG Guidelines, 2015. Collection method: not provided. Allele origin: germline. Inheritance: X-linked inheritance. Affected: yes.

Dr. Peter K. Rogan Lab, Western University
No classification provided (evidence only). Condition: Clear cell carcinoma of kidney. Review status: no classification provided. Collection method: in vitro. Allele origin: not applicable. Functional consequence: retained intron. Not counted in ClinVar's aggregate classification.

Dr. Peter K. Rogan Lab, Western University
No classification provided (evidence only). Condition: Uterine corpus endometrial carcinoma. Review status: no classification provided. Collection method: in vitro. Allele origin: not applicable. Functional consequence: retained intron. Not counted in ClinVar's aggregate classification.

Dr. Peter K. Rogan Lab, Western University
No classification provided (evidence only). Condition: Cervical cancer. Review status: no classification provided. Collection method: in vitro. Allele origin: not applicable. Functional consequence: retained intron. Not counted in ClinVar's aggregate classification.

Dr. Peter K. Rogan Lab, Western University
No classification provided (evidence only). Condition: Hepatocellular carcinoma. Review status: no classification provided. Collection method: in vitro. Allele origin: not applicable. Functional consequence: skipped exon. Not counted in ClinVar's aggregate classification.

Dr. Peter K. Rogan Lab, Western University
No classification provided (evidence only). Condition: Hepatocellular carcinoma. Review status: no classification provided. Collection method: in vitro. Allele origin: not applicable. Functional consequence: skipped exon. Not counted in ClinVar's aggregate classification.

Dr. Peter K. Rogan Lab, Western University
No classification provided (evidence only). Condition: Uterine carcinosarcoma. Review status: no classification provided. Collection method: in vitro. Allele origin: not applicable. Functional consequence: retained intron. Not counted in ClinVar's aggregate classification.

Genetic Services Laboratory, University of Chicago
Classification: Likely benign for AllHighlyPenetrant. Review status: no assertion criteria provided. Collection method: clinical testing. Allele origin: germline. Inheritance: X-linked inheritance. Not counted in ClinVar's aggregate classification.
Comment: Likely benign based on allele frequency in 1000 Genomes Project or ESP global frequency and its presence in a patient with a rare or unrelated disease phenotype. NOT Sanger confirmed.